The following is an entry in ClinVar:

NM_032217.5(ANKRD17):c.460C>A (p.Leu154Ile)

Gene: ANKRD17 (ankyrin repeat domain 17; minus strand). Cytogenetic location: 4q13.3.
Variant type: single nucleotide variant.
Coding change: c.460C>A on transcript NM_032217.5 (MANE Select); coding-DNA position 460, C replaced by A.
Protein change: p.Leu154Ile; replaces leucine 154 with isoleucine.
Molecular consequence: missense variant.
Genome position (GRCh38, 1-based): chr4:73,177,467, G>T on the plus strand (C>A on the coding strand, the complement: ANKRD17 is on the minus strand). VCF-style: chr4-73177467-G-T. GRCh37 (hg19) VCF-style: chr4-74043184-G-T.
Other names: c.121C>A, p.Leu41Ile (NM_001286771.3); c.460C>A, p.Leu154Ile (NM_015574.2, NM_198889.3); short protein forms L154I, L41I.
Identifiers: ClinVar variation 4074633 (VCV004074633.1).
Genomic context (GRCh38, chr4:73,177,467, plus strand): 5'-TAGCCTGTGTTTCTGGATCTACTGTCCTGAGGTCTGCACCATCAGCAGTACCTGATAAGA[G>T]CAACTTGGAAGCTGTTTCCAGCATTGGATTTTCCAAATCATCCTGATCCAAAATGAAAGA-3'
Protein context (NP_115593.3, residues 144-164): NPMLETASKL[Leu154Ile]LSGTADGADL

ClinVar aggregate classification (germline): Uncertain significance (1 of 4 stars; one submission).

Submission:

GeneDx
Classification: Uncertain significance. Last evaluated: 2025-02-09. Review status: criteria provided, single submitter. Criteria: GeneDx Variant Classification Process June 2021. Collection method: clinical testing. Allele origin: germline. Affected: yes.
Comment: Not observed at significant frequency in large population cohorts (gnomAD); In silico analysis indicates that this missense variant does not alter protein structure/function; Has not been previously published as pathogenic or benign to our knowledge